The following is an entry in ClinVar:

ClinVar aggregate classification (germline): Uncertain significance (1 of 4 stars; one submission).

Submission:

GeneDx
Classification: Uncertain significance. Last evaluated: 2022-04-06. Review status: criteria provided, single submitter. Criteria: GeneDx Variant Classification Process June 2021. Collection method: clinical testing. Allele origin: germline. Affected: yes.
Comment: Not observed at significant frequency in large population cohorts (gnomAD); In silico analysis supports that this missense variant has a deleterious effect on protein structure/function; Has not been previously published as pathogenic or benign to our knowledge

NM_024417.5(FDXR):c.1194G>T (p.Trp398Cys)

Gene: FDXR (ferredoxin reductase; minus strand). Cytogenetic location: 17q25.1.
Variant type: single nucleotide variant.
Coding change: c.1194G>T on transcript NM_024417.5 (MANE Select); coding-DNA position 1194, G replaced by T.
Protein change: p.Trp398Cys; replaces tryptophan 398 with cysteine.
Molecular consequence: missense variant. On other transcripts: non-coding transcript variant (1).
Genome position (GRCh38, 1-based): chr17:74,863,227, C>A on the plus strand (G>T on the coding strand, the complement: FDXR is on the minus strand). VCF-style: chr17-74863227-C-A. GRCh37 (hg19) VCF-style: chr17-72859349-C-A.
Other names: c.1323G>T, p.Trp441Cys (NM_001258012.4); c.1287G>T, p.Trp429Cys (NM_001258013.4); c.1170G>T, p.Trp390Cys (NM_001258014.4); c.1074G>T, p.Trp358Cys (NM_001258015.3); c.1038G>T, p.Trp346Cys (NM_001258016.3); c.1212G>T, p.Trp404Cys (NM_004110.6); short protein forms W346C, W358C, W390C, W398C, W404C, W429C, W441C.
Identifiers: ClinVar variation 1708677 (VCV001708677.2), dbSNP rs2509771290, ClinGen allele CA400966986.
Genomic context (GRCh38, chr17:74,863,227, plus strand): 5'-GCCGGTGAGGAAGCTGTCAGTCATGGTTGTGGCTATGACACCTGTAGGTCCTCTCTTCAC[C>A]CAGCCGCTGCAGTAGAGGCCTGAGAGGGGGTAACAAAAGGGGAAGGGAGGGAGGTGGCTG-3'
Protein context (NP_077728.3, residues 388-408): MDVPGLYCSG[Trp398Cys]VKRGPTGVIA